The following is an entry in ClinVar:

NM_002641.4(PIGA):c.96C>G (p.Thr32=)

Gene: PIGA (phosphatidylinositol glycan anchor biosynthesis class A; minus strand). Cytogenetic location: Xp22.2.
Variant type: single nucleotide variant.
Coding change: c.96C>G on transcript NM_002641.4 (MANE Select); coding-DNA position 96, C replaced by G.
Protein change: p.Thr32=; no amino-acid change (threonine 32 retained).
Molecular consequence: synonymous variant. On other transcripts: non-coding transcript variant (1), intron variant (1).
Genome position (GRCh38, 1-based): chrX:15,331,835, G>C on the plus strand (C>G on the coding strand, the complement: PIGA is on the minus strand). VCF-style: chrX-15331835-G-C. GRCh37 (hg19) VCF-style: chrX-15349957-G-C.
Other names: c.13+3666C>G (NM_020473.3).
Identifiers: ClinVar variation 392740 (VCV000392740.4), dbSNP rs750555194, ClinGen allele CA10354188.
Genomic context (GRCh38, chrX:15,331,835, plus strand): 5'-GTGGCTTTCCACGCCTCCCATATTTGGGTAGAAAAAGTCAGATACCATGCATATATTATG[G>C]GTACGGGTTCTACATGTGTAAAGACTTCCAGGGCTAACCCGAGAGAGTGTAGCTGAGGCA-3'
Protein context (NP_002632.1, residues 22-42): PGSLYTCRTR[Thr32=]HNICMVSDFF

ClinVar aggregate classification (germline): Benign/Likely benign. Review status: criteria provided, multiple submitters, no conflicts (2 of 4 stars). 2 submissions from 2 submitters: Benign (1); Likely benign (1). Last evaluated 2025-09-09.

Conditions:
Multiple congenital anomalies-hypotonia-seizures syndrome 2 (MCAHS2). Also called: EPILEPTIC ENCEPHALOPATHY, EARLY INFANTILE, 20; GLYCOSYLPHOSPHATIDYLINOSITOL BIOSYNTHESIS DEFECT 4. Identifiers: Orphanet 300496, MedGen C3275508, MONDO:0010466, OMIM 300868.

Allele frequency attached by ClinVar (database versions not stated): ExAC 0.00003; TOPMed 0.00003; gnomAD 0.00005.

Submissions (2):

Labcorp Genetics (formerly Invitae), Labcorp
Classification: Benign for Multiple congenital anomalies-hypotonia-seizures syndrome 2. Last evaluated: 2025-09-09. Review status: criteria provided, single submitter. Criteria: Invitae Variant Classification Sherloc (09022015). Collection method: clinical testing. Allele origin: germline.

GeneDx
Classification: Likely benign. Last evaluated: 2017-01-13. Review status: criteria provided, single submitter. Criteria: GeneDx Variant Classification (06012015). Collection method: clinical testing. Allele origin: germline. Affected: yes.
Comment: This variant is considered likely benign or benign based on one or more of the following criteria: it is a conservative change, it occurs at a poorly conserved position in the protein, it is predicted to be benign by multiple in silico algorithms, and/or has population frequency not consistent with disease.